The following is an entry in ClinVar:

ClinVar aggregate classification (germline): Uncertain significance. Review status: criteria provided, multiple submitters, no conflicts (2 of 4 stars). 2 submissions from 2 submitters: Uncertain significance (2). Last evaluated 2024-01-19.

Allele frequency attached by ClinVar (database versions not stated): ExAC 0.00001; gnomAD 0.00001; TOPMed 0.00001.
gnomAD v4.1: 7 of 1,567,608 alleles (0.00045%); highest among the groups gnomAD compares: Admixed American, 0.0053%; no homozygotes.

Submissions (2):

Ambry Genetics
Classification: Uncertain significance. Last evaluated: 2024-01-19. Review status: criteria provided, single submitter. Criteria: Ambry Variant Classification Scheme 2023. Collection method: clinical testing. Allele origin: germline.

Labcorp Genetics (formerly Invitae), Labcorp
Classification: Uncertain significance. Last evaluated: 2022-07-26. Review status: criteria provided, single submitter. Criteria: Invitae Variant Classification Sherloc (09022015). Collection method: clinical testing. Allele origin: germline.
Comment: In summary, the available evidence is currently insufficient to determine the role of this variant in disease. Therefore, it has been classified as a Variant of Uncertain Significance. Algorithms developed to predict the effect of missense changes on protein structure and function are either unavailable or do not agree on the potential impact of this missense change (SIFT: "Deleterious"; PolyPhen-2: "Possibly Damaging"; Align-GVGD: "Class C0"). This variant has not been reported in the literature in individuals affected with ATOH7-related conditions. This variant is present in population databases (rs770514524, gnomAD 0.003%). This sequence change replaces proline, which is neutral and non-polar, with alanine, which is neutral and non-polar, at codon 145 of the ATOH7 protein (p.Pro145Ala).

NM_145178.4(ATOH7):c.433C>G (p.Pro145Ala)

Gene: ATOH7 (atonal bHLH transcription factor 7; minus strand). Cytogenetic location: 10q21.3.
Variant type: single nucleotide variant.
Coding change: c.433C>G on transcript NM_145178.4 (MANE Select); coding-DNA position 433, C replaced by G.
Protein change: p.Pro145Ala; replaces proline 145 with alanine.
Molecular consequence: missense variant.
Genome position (GRCh38, 1-based): chr10:68,231,245, G>C on the plus strand (C>G on the coding strand, the complement: ATOH7 is on the minus strand). VCF-style: chr10-68231245-G-C. GRCh37 (hg19) VCF-style: chr10-69991002-G-C.
Other names: c.433C>G (NM_145178.2); short protein forms P145A.
Identifiers: ClinVar variation 1898269 (VCV001898269.4), dbSNP rs770514524, ClinGen allele CA5523316.